The following is an entry in ClinVar:

NM_001277115.2(DNAH11):c.5558del (p.Phe1853fs)

Gene: DNAH11 (dynein axonemal heavy chain 11; plus strand). Cytogenetic location: 7p15.3.
Variant type: Deletion.
Coding change: c.5558del on transcript NM_001277115.2 (MANE Select); coding-DNA position 5558, one base deleted (T; older notation c.5558delT).
Protein change: p.Phe1853fs; shifts the reading frame from phenylalanine 1853.
Molecular consequence: frameshift variant.
Genome position (GRCh38, 1-based): chr7:21,683,881, T deleted; the last of 2 consecutive T bases (chr7:21,683,880-21,683,881); deleting either gives the same sequence. VCF-style (leftmost placement, unchanged base first): chr7-21683879-GT-G. GRCh37 (hg19) VCF-style: chr7-21723497-GT-G.
Other names: c.5579delT, p.Phe1860Serfs (NM_003777.3); short protein forms F1853fs.
Identifiers: ClinVar variation 2756131 (VCV002756131.3), dbSNP rs2534906714, ClinGen allele CA2697557145.

ClinVar aggregate classification (germline): Pathogenic (1 of 4 stars; one submission).

Conditions:
Primary ciliary dyskinesia. Also called: Ciliary dyskinesia. Identifiers: Orphanet 244, MedGen C0008780, MONDO:0016575, HP:0012265.

Submission:

Labcorp Genetics (formerly Invitae), Labcorp
Classification: Pathogenic for Primary ciliary dyskinesia. Last evaluated: 2023-08-29. Review status: criteria provided, single submitter. Criteria: Invitae Variant Classification Sherloc (09022015). Collection method: clinical testing. Allele origin: germline.
Comment: This sequence change creates a premature translational stop signal (p.Phe1853Serfs*8) in the DNAH11 gene. It is expected to result in an absent or disrupted protein product. Loss-of-function variants in DNAH11 are known to be pathogenic (PMID: 18022865, 20513915, 22184204). This variant is not present in population databases (gnomAD no frequency). This variant has not been reported in the literature in individuals affected with DNAH11-related conditions. Algorithms developed to predict the effect of sequence changes on RNA splicing suggest that this variant may disrupt the consensus splice site. For these reasons, this variant has been classified as Pathogenic.

Literature cited by the submitters: PubMed 18022865; PubMed 20513915; PubMed 22184204.